The following is an entry in ClinVar:

NM_000078.3(CETP):c.326T>A (p.Val109Asp)

Gene: CETP (cholesteryl ester transfer protein; plus strand). Cytogenetic location: 16q13.
Variant type: single nucleotide variant.
Coding change: c.326T>A on transcript NM_000078.3 (MANE Select); coding-DNA position 326, T replaced by A.
Protein change: p.Val109Asp; replaces valine 109 with aspartic acid.
Molecular consequence: missense variant.
Genome position (GRCh38, 1-based): chr16:56,969,478, T>A. VCF-style: chr16-56969478-T-A. GRCh37 (hg19) VCF-style: chr16-57003390-T-A.
Other names: c.326T>A, p.Val109Asp (NM_001286085.2); short protein forms V109D.
Identifiers: ClinVar variation 3640296 (VCV003640296.2).

ClinVar aggregate classification (germline): Uncertain significance (1 of 4 stars; one submission).

gnomAD v4.1: 1 of 1,614,190 alleles (0.000062%); highest among the groups gnomAD compares: Admixed American, 0.0017%; no homozygotes.

Submission:

Labcorp Genetics (formerly Invitae), Labcorp
Classification: Uncertain significance. Last evaluated: 2024-02-12. Review status: criteria provided, single submitter. Criteria: Invitae Variant Classification Sherloc (09022015). Collection method: clinical testing. Allele origin: germline.
Comment: This sequence change replaces valine, which is neutral and non-polar, with aspartic acid, which is acidic and polar, at codon 109 of the CETP protein (p.Val109Asp). This variant is present in population databases (no rsID available, gnomAD 0.003%). This variant has not been reported in the literature in individuals affected with CETP-related conditions. Advanced modeling of protein sequence and biophysical properties (such as structural, functional, and spatial information, amino acid conservation, physicochemical variation, residue mobility, and thermodynamic stability) performed at Invitae indicates that this missense variant is not expected to disrupt CETP protein function with a negative predictive value of 80%. In summary, the available evidence is currently insufficient to determine the role of this variant in disease. Therefore, it has been classified as a Variant of Uncertain Significance.